The following is an entry in ClinVar:

NM_000747.3(CHRNB1):c.373G>A (p.Val125Met)

Gene: CHRNB1 (cholinergic receptor nicotinic beta 1 subunit; plus strand). Cytogenetic location: 17p13.1.
Variant type: single nucleotide variant.
Coding change: c.373G>A on transcript NM_000747.3 (MANE Select); coding-DNA position 373, G replaced by A.
Protein change: p.Val125Met; replaces valine 125 with methionine.
Molecular consequence: missense variant.
Genome position (GRCh38, 1-based): chr17:7,447,062, G>A. VCF-style: chr17-7447062-G-A. GRCh37 (hg19) VCF-style: chr17-7350381-G-A.
Other names: short protein forms V125M.
Identifiers: ClinVar variation 1368438 (VCV001368438.8), dbSNP rs148584502, ClinGen allele CA8347762.
Genomic context (GRCh38, chr17:7,447,062, plus strand): 5'-GGGCGCGGGGCCTGATCCCTGATGAGATCCCTTCTCTGCAGCAATGATGGGAATTTTGAC[G>A]TGGCTCTGGACATTAGCGTCGTGGTGTCCTCCGACGGCTCCGTGCGTTGGCAACCCCCGG-3'
Protein context (NP_000738.2, residues 115-135): LLNNNDGNFD[Val125Met]ALDISVVVSS

ClinVar aggregate classification (germline): Uncertain significance (1 of 4 stars; one submission).

Conditions:
Congenital myasthenic syndrome 2A. Also called: Myasthenic syndrome, congenital, 2a, slow-channel. Identifiers: Orphanet 590, MedGen C4225374, MONDO:0014581, OMIM 616313.

Allele frequency attached by ClinVar (database versions not stated): gnomAD 0.00001; TOPMed 0.00001; gnomAD exomes 0.00002; ExAC 0.00003; ESP Exome Variant Server 0.00008.
gnomAD v4.1: 29 of 1,614,060 alleles (0.0018%); highest among the groups gnomAD compares: Non-Finnish European, 0.0024%; no homozygotes.

Submission:

Labcorp Genetics (formerly Invitae), Labcorp
Classification: Uncertain significance for Congenital myasthenic syndrome 2A. Last evaluated: 2026-01-18. Review status: criteria provided, single submitter. Criteria: Invitae Variant Classification Sherloc (09022015). Collection method: clinical testing. Allele origin: germline.
Comment: This sequence change replaces valine, which is neutral and non-polar, with methionine, which is neutral and non-polar, at codon 125 of the CHRNB1 protein (p.Val125Met). This variant is present in population databases (rs148584502, gnomAD 0.007%). This variant has not been reported in the literature in individuals affected with CHRNB1-related conditions. ClinVar contains an entry for this variant (Variation ID: 1368438). Invitae Evidence Modeling of protein sequence and biophysical properties (such as structural, functional, and spatial information, amino acid conservation, physicochemical variation, residue mobility, and thermodynamic stability) indicates that this missense variant is not expected to disrupt CHRNB1 protein function with a negative predictive value of 80%. In summary, the available evidence is currently insufficient to determine the role of this variant in disease. Therefore, it has been classified as a Variant of Uncertain Significance.